The following is an entry in ClinVar:

NM_017654.4(SAMD9):c.4514C>T (p.Thr1505Ile)

Gene: SAMD9 (sterile alpha motif domain containing 9; minus strand). Cytogenetic location: 7q21.2.
Variant type: single nucleotide variant.
Coding change: c.4514C>T on transcript NM_017654.4 (MANE Select); coding-DNA position 4514, C replaced by T.
Protein change: p.Thr1505Ile; replaces threonine 1505 with isoleucine.
Molecular consequence: missense variant.
Genome position (GRCh38, 1-based): chr7:93,101,584, G>A on the plus strand (C>T on the coding strand, the complement: SAMD9 is on the minus strand). VCF-style: chr7-93101584-G-A. GRCh37 (hg19) VCF-style: chr7-92730897-G-A.
Other names: c.4514C>T, p.Thr1505Ile (NM_001193307.2); short protein forms T1505I.
Identifiers: ClinVar variation 4159066 (VCV004159066.1).
Genomic context (GRCh38, chr7:93,101,584, plus strand): 5'-TCTTGGACTTTTTCCTCCTTCCACACATCTCCACTCTGCCACAAGGAATTAATATCTGGT[G>A]TCTTCTTAAAGCACTGGTCAATTTTTCCTTTGTGAACAAGTCTTTCCAGTCTTTTACCTT-3'
Protein context (NP_060124.2, residues 1495-1515): KGKIDQCFKK[Thr1505Ile]PDINSLWQSG

ClinVar aggregate classification (germline): Uncertain significance (1 of 4 stars; one submission).

Conditions:
Inborn genetic diseases. Identifiers: MedGen C0950123, MeSH D030342.

gnomAD v4.1: 1 of 1,613,870 alleles (0.000062%); highest among the groups gnomAD compares: South Asian, 0.0011%; no homozygotes.

Submission:

Ambry Genetics
Classification: Uncertain significance for Inborn genetic diseases. Last evaluated: 2025-07-07. Review status: criteria provided, single submitter. Criteria: Ambry Variant Classification Scheme 2023. Collection method: clinical testing. Allele origin: germline.
Comment: The p.T1505I variant (also known as c.4514C>T), located in coding exon 1 of the SAMD9 gene, results from a C to T substitution at nucleotide position 4514. The threonine at codon 1505 is replaced by isoleucine, an amino acid with similar properties. This amino acid position is conserved. In addition, this alteration is predicted to be tolerated by in silico analysis. Based on the available evidence, the clinical significance of this variant remains unclear.